The following is an entry in ClinVar:

ClinVar aggregate classification (germline): Uncertain significance (1 of 4 stars; one submission).

Conditions:
Neuromuscular disease caused by qualitative or quantitative defects of dystrophin. Also called: Qualitative or quantitative defects of dystrophin. Identifiers: Orphanet 207085, MedGen C5679787, MONDO:0016147.

gnomAD v4.1: 3 of 1,210,448 alleles (0.00025%); highest among the groups gnomAD compares: East Asian, 0.003%; no homozygotes.

Submission:

Clinical Genomics Laboratory, Stanford Medicine
Classification: Uncertain significance for Neuromuscular disease caused by qualitative or quantitative defects of dystrophin. Last evaluated: 2023-10-10. Review status: criteria provided, single submitter. Criteria: ACMG Guidelines, 2015. Collection method: clinical testing. Allele origin: germline. Observed: 1 variant allele, 1 hemizygote.
Comment: The p.Ile872Met variant in the DMD gene has not been previously reported in association with disease. This variant has been identified in 1/3,584 East Asian chromosomes (1/112,413 chromosomes overall) by the Genome Aggregation Database. The isoleucine at position 872 is poorly evolutionarily conserved and methionine is observed at position in several mammalian species. Computational tools predict that the p.Ile872Met variant does not impact protein function; however, the accuracy of in silico algorithms is limited. These data were assessed using the ACMG/AMP variant interpretation guidelines. In summary, the significance of the p.Ile872Met variant is uncertain. Additional information is needed to resolve the significance of this variant. [ACMG evidence codes used: PM2; BP4]

NM_004006.3(DMD):c.2616T>G (p.Ile872Met)

Gene: DMD (dystrophin; minus strand). Cytogenetic location: Xp21.1.
Variant type: single nucleotide variant.
Coding change: c.2616T>G on transcript NM_004006.3 (MANE Select); coding-DNA position 2616, T replaced by G.
Protein change: p.Ile872Met; replaces isoleucine 872 with methionine.
Molecular consequence: missense variant.
Genome position (GRCh38, 1-based): chrX:32,491,283, A>C on the plus strand (T>G on the coding strand, the complement: DMD is on the minus strand). VCF-style: chrX-32491283-A-C. GRCh37 (hg19) VCF-style: chrX-32509400-A-C.
Other names: c.2592T>G, p.Ile864Met (NM_000109.4); c.2604T>G, p.Ile868Met (NM_004009.3); c.2247T>G, p.Ile749Met (NM_004010.3); short protein forms I749M, I864M, I868M, I872M.
Identifiers: ClinVar variation 3600300 (VCV003600300.1).